The following is an entry in ClinVar:

ClinVar aggregate classification (germline): Uncertain significance (1 of 4 stars; one submission).

Conditions:
Early-infantile DEE. Also called: Ohtahara syndrome; Early infantile epileptic encephalopathy; Early infantile epileptic encephalopathy with suppression bursts. Identifiers: Orphanet 1934, MedGen C0393706, MONDO:0800491.

Allele frequency attached by ClinVar (database versions not stated): gnomAD exomes below 0.00001; ExAC 0.00001; gnomAD 0.00001; 1000 Genomes Project 0.00020; 1000 Genomes Project 30x 0.00031.
gnomAD v4.1: 5 of 1,613,284 alleles (0.00031%); highest among the groups gnomAD compares: East Asian, 0.0022%; no homozygotes.

Submission:

Labcorp Genetics (formerly Invitae), Labcorp
Classification: Uncertain significance for Early-infantile DEE. Last evaluated: 2020-07-30. Review status: criteria provided, single submitter. Criteria: Invitae Variant Classification Sherloc (09022015). Collection method: clinical testing. Allele origin: germline.
Comment: In summary, the available evidence is currently insufficient to determine the role of this variant in disease. Therefore, it has been classified as a Variant of Uncertain Significance. Algorithms developed to predict the effect of missense changes on protein structure and function (SIFT, PolyPhen-2, Align-GVGD) all suggest that this variant is likely to be tolerated, but these predictions have not been confirmed by published functional studies and their clinical significance is uncertain. This variant has not been reported in the literature in individuals with CACNA2D2-related disease. This variant is present in population databases (rs587697301, ExAC 0.01%). This sequence change replaces glycine with serine at codon 512 of the CACNA2D2 protein (p.Gly512Ser). The glycine residue is moderately conserved and there is a small physicochemical difference between glycine and serine.

NM_006030.4(CACNA2D2):c.1534G>A (p.Gly512Ser)

Gene: CACNA2D2 (calcium voltage-gated channel auxiliary subunit alpha2delta 2; minus strand). Cytogenetic location: 3p21.31.
Variant type: single nucleotide variant.
Coding change: c.1534G>A on transcript NM_006030.4 (MANE Select); coding-DNA position 1534, G replaced by A.
Protein change: p.Gly512Ser; replaces glycine 512 with serine.
Molecular consequence: missense variant.
Genome position (GRCh38, 1-based): chr3:50,377,749, C>T on the plus strand (G>A on the coding strand, the complement: CACNA2D2 is on the minus strand). VCF-style: chr3-50377749-C-T. GRCh37 (hg19) VCF-style: chr3-50415180-C-T.
Other names: c.1534G>A, p.Gly512Ser (NM_001005505.3, NM_001174051.3); c.1327G>A, p.Gly443Ser (NM_001291101.1); short protein forms G512S, G443S.
Identifiers: ClinVar variation 570903 (VCV000570903.7), dbSNP rs587697301, ClinGen allele CA2418833.